The following is an entry in ClinVar:

ClinVar aggregate classification (germline): Likely benign (1 of 4 stars; one submission).

Allele frequency attached by ClinVar (database versions not stated): gnomAD exomes 0.00001.

Submission:

GeneDx
Classification: Likely benign. Last evaluated: 2016-12-29. Review status: criteria provided, single submitter. Criteria: GeneDx Variant Classification (06012015). Collection method: clinical testing. Allele origin: germline. Affected: yes.
Comment: This variant is considered likely benign or benign based on one or more of the following criteria: it is a conservative change, it occurs at a poorly conserved position in the protein, it is predicted to be benign by multiple in silico algorithms, and/or has population frequency not consistent with disease.

NM_002524.5(NRAS):c.525T>C (p.Asp175=)

Gene: NRAS (NRAS proto-oncogene, GTPase; minus strand). Cytogenetic location: 1p13.2.
Variant type: single nucleotide variant.
Coding change: c.525T>C on transcript NM_002524.5 (MANE Select); coding-DNA position 525, T replaced by C.
Protein change: p.Asp175=; no amino-acid change (aspartic acid 175 retained).
Molecular consequence: synonymous variant.
Genome position (GRCh38, 1-based): chr1:114,708,580, A>G on the plus strand (T>C on the coding strand, the complement: NRAS is on the minus strand). VCF-style: chr1-114708580-A-G. GRCh37 (hg19) VCF-style: chr1-115251201-A-G.
Other names: c.525T>C (LRG_92t1).
Identifiers: ClinVar variation 392204 (VCV000392204.1), dbSNP rs1057524394, ClinGen allele CA16603405.
Genomic context (GRCh38, chr1:114,708,580, plus strand): 5'-CATATGCTCACCTTGTTACATCACCACACATGGCAATCCCATACAACCCTGAGTCCCATC[A>G]TCACTGCTGTTGAGTTTTTTCATTCGGTACTGGCGTATTTCTCTTACCAGTGTGTAAAAA-3'
Protein context (NP_002515.1, residues 165-185): QYRMKKLNSS[Asp175=]DGTQGCMGLP